The following is an entry in ClinVar:

ClinVar aggregate classification (germline): Uncertain significance (1 of 4 stars; one submission).

Submission:

GeneDx
Classification: Uncertain significance. Last evaluated: 2025-02-28. Review status: criteria provided, single submitter. Criteria: GeneDx Variant Classification Process June 2021. Collection method: clinical testing. Allele origin: germline. Affected: yes.
Comment: Not observed at significant frequency in large population cohorts (gnomAD); In silico analysis supports that this missense variant has a deleterious effect on protein structure/function; Has not been previously published as pathogenic or benign to our knowledge

NM_001039591.3(USP9X):c.2938T>C (p.Ser980Pro)

Gene: USP9X (ubiquitin specific peptidase 9 X-linked; plus strand). Cytogenetic location: Xp11.4.
Variant type: single nucleotide variant.
Coding change: c.2938T>C on transcript NM_001039591.3 (MANE Select); coding-DNA position 2938, T replaced by C.
Protein change: p.Ser980Pro; replaces serine 980 with proline.
Molecular consequence: missense variant.
Genome position (GRCh38, 1-based): chrX:41,170,530, T>C. VCF-style: chrX-41170530-T-C. GRCh37 (hg19) VCF-style: chrX-41029783-T-C.
Other names: c.2938T>C, p.Ser980Pro (NM_001039590.3); c.2953T>C, p.Ser985Pro (NM_001410748.1, NM_001410749.1, NM_001437534.1); short protein forms S980P, S985P.
Identifiers: ClinVar variation 4077356 (VCV004077356.1).